The following is an entry in ClinVar:

ClinVar aggregate classification (germline): Likely pathogenic. Review status: criteria provided, multiple submitters, no conflicts (2 of 4 stars). 3 submissions from 3 submitters: Likely pathogenic (3). Last evaluated 2025-02-20.

Conditions:
Galactosylceramide beta-galactosidase deficiency. Also called: Leukodystrophy, Globoid Cell; Krabbe Disease; GALACTOCEREBROSIDASE DEFICIENCY; GALC DEFICIENCY; GLOBOID CELL LEUKOENCEPHALOPATHY. Identifiers: Orphanet 487, MedGen C0023521, MONDO:0009499, OMIM 245200.

Allele frequency attached by ClinVar (database versions not stated): gnomAD exomes below 0.00001.
gnomAD v4.1: 1 of 1,600,636 alleles (0.000062%); highest among the groups gnomAD compares: Non-Finnish European, 0.000086%; no homozygotes.

Submissions (3):

Labcorp Genetics (formerly Invitae), Labcorp
Classification: Likely pathogenic for Galactosylceramide beta-galactosidase deficiency. Last evaluated: 2025-02-20. Review status: criteria provided, single submitter. Criteria: Invitae Variant Classification Sherloc (09022015). Collection method: clinical testing. Allele origin: germline.
Comment: This sequence change replaces alanine, which is neutral and non-polar, with glutamic acid, which is acidic and polar, at codon 579 of the GALC protein (p.Ala579Glu). This variant is present in population databases (no rsID available, gnomAD 0.0009%). This missense change has been observed in individual(s) with Krabbe disease (PMID: 11151421). In at least one individual the data is consistent with being in trans (on the opposite chromosome) from a pathogenic variant. This variant is also known as A563E. ClinVar contains an entry for this variant (Variation ID: 1324448). Invitae Evidence Modeling of protein sequence and biophysical properties (such as structural, functional, and spatial information, amino acid conservation, physicochemical variation, residue mobility, and thermodynamic stability) indicates that this missense variant is expected to disrupt GALC protein function with a positive predictive value of 95%. Experimental studies have shown that this missense change affects GALC function (PMID: 27638593). In summary, the currently available evidence indicates that the variant is pathogenic, but additional data are needed to prove that conclusively. Therefore, this variant has been classified as Likely Pathogenic.

Natera, Inc.
Classification: Likely pathogenic for Galactosylceramide beta-galactosidase deficiency. Last evaluated: 2024-10-09. Review status: criteria provided, single submitter. Criteria: Natera Variant Classification Schema (03/2026). Collection method: clinical testing. Allele origin: germline.
Comment: The c.1736C>A variant in GALC is a missense variant predicted to cause substitution of alanine to glutamic acid at amino acid 579. This variant is rare in the general population with a frequency below the threshold expected for the associated phenotype(s). This variant has been observed in one or more individuals affected with the associated recessive disease, as either homozygous or compound heterozygous with a second variant (PMID: 11151421). Functional studies show that this variant may disrupt protein function (PMID: 27638593). Computational prediction algorithms indicate this variant is likely to affect gene or protein function. Given the available evidence, this variant is classified as Likely Pathogenic.

Revvity Omics, Revvity
Classification: Likely pathogenic. Last evaluated: 2019-11-22. Review status: criteria provided, single submitter. Criteria: ACMG Guidelines, 2015. Collection method: clinical testing. Allele origin: germline.

Literature cited by the submitters: PubMed 11151421 (cited by Labcorp Genetics (formerly Invitae), Labcorp and Natera, Inc.); PubMed 27638593 (cited by Labcorp Genetics (formerly Invitae), Labcorp and Natera, Inc.).

NM_000153.4(GALC):c.1736C>A (p.Ala579Glu)

Gene: GALC (galactosylceramidase; minus strand). Cytogenetic location: 14q31.3.
Variant type: single nucleotide variant.
Coding change: c.1736C>A on transcript NM_000153.4 (MANE Select); coding-DNA position 1736, C replaced by A.
Protein change: p.Ala579Glu; replaces alanine 579 with glutamic acid.
Molecular consequence: missense variant.
Genome position (GRCh38, 1-based): chr14:87,941,493, G>T on the plus strand (C>A on the coding strand, the complement: GALC is on the minus strand). VCF-style: chr14-87941493-G-T. GRCh37 (hg19) VCF-style: chr14-88407837-G-T.
Other names: c.1667C>A, p.Ala556Glu (NM_001201401.2); c.1658C>A, p.Ala553Glu (NM_001201402.2); short protein forms A553E, A556E, A579E.
Identifiers: ClinVar variation 1324448 (VCV001324448.9), dbSNP rs1423625765, ClinGen allele CA390745792.